The following is an entry in ClinVar:

NM_000426.4(LAMA2):c.1363C>T (p.Arg455Trp)

Gene: LAMA2 (laminin subunit alpha 2; plus strand). Cytogenetic location: 6q22.33.
Variant type: single nucleotide variant.
Coding change: c.1363C>T on transcript NM_000426.4 (MANE Select); coding-DNA position 1363, C replaced by T.
Protein change: p.Arg455Trp; replaces arginine 455 with tryptophan.
Molecular consequence: missense variant.
Genome position (GRCh38, 1-based): chr6:129,177,762, C>T. VCF-style: chr6-129177762-C-T. GRCh37 (hg19) VCF-style: chr6-129498907-C-T.
Other names: c.1363C>T, p.Arg455Trp (NM_001079823.2); short protein forms R455W.
Identifiers: ClinVar variation 2319034 (VCV002319034.4), dbSNP rs769731295, ClinGen allele CA3992590.

ClinVar aggregate classification (germline): Uncertain significance. Review status: criteria provided, multiple submitters, no conflicts (2 of 4 stars). 3 submissions from 3 submitters: Uncertain significance (3). Last evaluated 2024-08-11.

Conditions:
Inborn genetic diseases. Identifiers: MedGen C0950123, MeSH D030342.

Allele frequency attached by ClinVar (database versions not stated): ExAC 0.00001; gnomAD 0.00001; TOPMed 0.00001.
gnomAD v4.1: 29 of 1,613,792 alleles (0.0018%); highest among the groups gnomAD compares: African/African-American, 0.0053%; no homozygotes.

Submissions (3):

GeneDx
Classification: Uncertain significance. Last evaluated: 2024-08-11. Review status: criteria provided, single submitter. Criteria: GeneDx Variant Classification Process June 2021. Collection method: clinical testing. Allele origin: germline. Affected: yes.
Comment: Not observed at significant frequency in large population cohorts (gnomAD); In silico analysis supports that this missense variant has a deleterious effect on protein structure/function; Has not been previously published as pathogenic or benign to our knowledge

Blueprint Genetics
Classification: Uncertain significance. Last evaluated: 2023-11-24. Review status: criteria provided, single submitter. Criteria: ACMG Guidelines, 2015. Collection method: clinical testing. Allele origin: germline.

Ambry Genetics
Classification: Uncertain significance for Inborn genetic diseases. Last evaluated: 2022-10-25. Review status: criteria provided, single submitter. Criteria: Ambry Variant Classification Scheme 2023. Collection method: clinical testing. Allele origin: germline.